The following is an entry in ClinVar:

ClinVar aggregate classification (germline): Uncertain significance (1 of 4 stars; one submission).

Conditions:
Emery-Dreifuss muscular dystrophy (EDMD). Also called: Scapuloperoneal syndrome, X-linked (formerly); Humeroperoneal neuromuscular disease, (formerly). Identifiers: Orphanet 261, MedGen C0410189, MONDO:0016830.

Submission:

Labcorp Genetics (formerly Invitae), Labcorp
Classification: Uncertain significance for Emery-Dreifuss muscular dystrophy. Last evaluated: 2024-07-19. Review status: criteria provided, single submitter. Criteria: Invitae Variant Classification Sherloc (09022015). Collection method: clinical testing. Allele origin: germline.
Comment: This sequence change replaces arginine, which is basic and polar, with leucine, which is neutral and non-polar, at codon 94 of the SUN1 protein (p.Arg94Leu). This variant is not present in population databases (gnomAD no frequency). This variant has not been reported in the literature in individuals affected with SUN1-related conditions. An algorithm developed to predict the effect of missense changes on protein structure and function (PolyPhen-2) suggests that this variant is likely to be tolerated. In summary, the available evidence is currently insufficient to determine the role of this variant in disease. Therefore, it has been classified as a Variant of Uncertain Significance.

NM_001130965.3(SUN1):c.281G>T (p.Arg94Leu)

Gene: SUN1 (Sad1 and UNC84 domain containing 1; plus strand). Cytogenetic location: 7p22.3.
Variant type: single nucleotide variant.
Coding change: c.281G>T on transcript NM_001130965.3 (MANE Select); coding-DNA position 281, G replaced by T.
Protein change: p.Arg94Leu; replaces arginine 94 with leucine.
Molecular consequence: missense variant. On other transcripts: 5 prime UTR variant (4), non-coding transcript variant (3).
Genome position (GRCh38, 1-based): chr7:841,960, G>T. VCF-style: chr7-841960-G-T. GRCh37 (hg19) VCF-style: chr7-881597-G-T.
Other names: c.281G>T, p.Arg94Leu (NM_001367702.1, NM_001367703.1, NM_001367704.1 and 34 more transcripts); c.131G>T, p.Arg44Leu (NM_001367706.1, NM_025154.6, NM_001367636.1 and 24 more transcripts); c.-287G>T (NM_001367708.1, NM_001367639.1); c.500G>T, p.Arg167Leu (NM_001367651.1); c.-481G>T (NM_001367658.1); c.344G>T, p.Arg115Leu (NM_001171945.2); c.-177G>T (NM_001367635.1); c.92G>T, p.Arg31Leu (NM_001367695.1); short protein forms R44L, R167L, R31L, R94L, R115L.
Identifiers: ClinVar variation 3659920 (VCV003659920.2).